The following is an entry in ClinVar:

ClinVar aggregate classification (germline): Benign/Likely benign. Review status: criteria provided, multiple submitters, no conflicts (2 of 4 stars). 3 submissions from 3 submitters: Benign (1); Likely benign (2). Last evaluated 2026-04-28.

Conditions:
Colorectal cancer, susceptibility to, 1. Also called: COLORECTAL ADENOMA AND CANCER, SUSCEPTIBILITY TO; COLORECTAL CANCER, SUSCEPTIBILITY TO, ON CHROMOSOME 9. Identifiers: MedGen C1837315, MONDO:0012132, OMIM 608812.

Allele frequency attached by ClinVar (database versions not stated): gnomAD exomes below 0.00001; gnomAD 0.00001.
gnomAD v4.1: 4 of 1,614,108 alleles (0.00025%); highest among the groups gnomAD compares: South Asian, 0.0033%; no homozygotes.

Submissions (3):

Myriad Genetics, Inc.
Classification: Benign for Colorectal cancer, susceptibility to, 1. Last evaluated: 2026-04-28. Review status: criteria provided, single submitter. Criteria: Myriad Autosomal Dominant, Autosomal Recessive and X-Linked Classification Criteria (2023). Collection method: clinical testing. Allele origin: unknown.
Comment: This variant is considered benign. This variant is a silent/synonymous amino acid change and it is not expected to impact splicing.

Ambry Genetics
Classification: Likely benign. Last evaluated: 2023-09-20. Review status: criteria provided, single submitter. Criteria: Ambry Variant Classification Scheme 2023. Collection method: clinical testing. Allele origin: germline.

Quest Diagnostics Nichols Institute San Juan Capistrano
Classification: Likely benign. Last evaluated: 2022-09-08. Review status: criteria provided, single submitter. Criteria: Quest Diagnostics criteria. Collection method: clinical testing. Allele origin: unknown.

NM_024642.5(GALNT12):c.1719A>G (p.Lys573=)

Gene: GALNT12 (polypeptide N-acetylgalactosaminyltransferase 12; plus strand). Cytogenetic location: 9q22.33.
Variant type: single nucleotide variant.
Coding change: c.1719A>G on transcript NM_024642.5 (MANE Select); coding-DNA position 1719, A replaced by G.
Protein change: p.Lys573=; no amino-acid change (lysine 573 retained).
Molecular consequence: synonymous variant.
Genome position (GRCh38, 1-based): chr9:98,849,065, A>G. VCF-style: chr9-98849065-A-G. GRCh37 (hg19) VCF-style: chr9-101611347-A-G.
Identifiers: ClinVar variation 2681953 (VCV002681953.3), dbSNP rs1229125483, ClinGen allele CA466426213.